The following is an entry in ClinVar:

ClinVar aggregate classification (germline): Uncertain significance (1 of 4 stars; one submission).

gnomAD v4.1: 1 of 1,614,182 alleles (0.000062%); no homozygotes.

Submission:

CeGaT Center for Human Genetics Tuebingen
Classification: Uncertain significance. Last evaluated: 2025-06-01. Review status: criteria provided, single submitter. Criteria: CeGaT Center For Human Genetics Tuebingen Variant Classification Criteria Version 2. Collection method: clinical testing. Allele origin: germline. Affected: yes. Observed: 1 variant allele.
Comment: ATP1A2: PM2, PP2

NM_000702.4(ATP1A2):c.2741C>T (p.Thr914Met)

Gene: ATP1A2 (ATPase Na+/K+ transporting subunit alpha 2; plus strand). Cytogenetic location: 1q23.2.
Variant type: single nucleotide variant.
Coding change: c.2741C>T on transcript NM_000702.4 (MANE Select); coding-DNA position 2741, C replaced by T.
Protein change: p.Thr914Met; replaces threonine 914 with methionine.
Molecular consequence: missense variant.
Genome position (GRCh38, 1-based): chr1:160,136,932, C>T. VCF-style: chr1-160136932-C-T. GRCh37 (hg19) VCF-style: chr1-160106722-C-T.
Other names: short protein forms T914M.
Identifiers: ClinVar variation 4085185 (VCV004085185.8).